The following is an entry in ClinVar:

ClinVar aggregate classification (germline): Uncertain significance. Review status: criteria provided, multiple submitters, no conflicts (2 of 4 stars). 2 submissions from 2 submitters: Uncertain significance (2). Last evaluated 2024-05-31.

Allele frequency attached by ClinVar (database versions not stated): gnomAD exomes below 0.00001.
gnomAD v4.1: 2 of 1,609,382 alleles (0.00012%); highest among the groups gnomAD compares: Non-Finnish European, 0.000085%; no homozygotes.

Submissions (2):

GeneDx
Classification: Uncertain significance. Last evaluated: 2024-05-31. Review status: criteria provided, single submitter. Criteria: GeneDx Variant Classification Process June 2021. Collection method: clinical testing. Allele origin: germline. Affected: yes.
Comment: Not observed at significant frequency in large population cohorts (gnomAD); In silico analysis supports that this missense variant has a deleterious effect on protein structure/function; Has not been previously published as pathogenic or benign to our knowledge; This variant is associated with the following publications: (PMID: 22508754)

Mayo Clinic Laboratories, Mayo Clinic
Classification: Uncertain significance. Last evaluated: 2019-12-16. Review status: criteria provided, single submitter. Criteria: ACMG Guidelines, 2015. Collection method: clinical testing. Allele origin: germline. Observed: 1 variant allele.

NM_007254.4(PNKP):c.932G>C (p.Arg311Pro)

Gene: PNKP (polynucleotide kinase 3'-phosphatase; minus strand). Cytogenetic location: 19q13.33.
Variant type: single nucleotide variant.
Coding change: c.932G>C on transcript NM_007254.4 (MANE Select); coding-DNA position 932, G replaced by C.
Protein change: p.Arg311Pro; replaces arginine 311 with proline.
Molecular consequence: missense variant.
Genome position (GRCh38, 1-based): chr19:49,862,542, C>G on the plus strand (G>C on the coding strand, the complement: PNKP is on the minus strand). VCF-style: chr19-49862542-C-G. GRCh37 (hg19) VCF-style: chr19-50365799-C-G.
Other names: c.932G>C (NM_007254.2); short protein forms R311P.
Identifiers: ClinVar variation 1162844 (VCV001162844.6), dbSNP rs372435922, ClinGen allele CA9586701.